The following is an entry in ClinVar:

ClinVar aggregate classification (germline): Uncertain significance. Review status: criteria provided, multiple submitters, no conflicts (2 of 4 stars). 2 submissions from 2 submitters: Uncertain significance (2). Last evaluated 2025-03-05.

Conditions:
Inborn genetic diseases. Identifiers: MedGen C0950123, MeSH D030342.

Allele frequency attached by ClinVar (database versions not stated): gnomAD exomes below 0.00001; TOPMed below 0.00001; ExAC 0.00001; gnomAD 0.00001.
gnomAD v4.1: 7 of 1,614,198 alleles (0.00043%); highest among the groups gnomAD compares: African/African-American, 0.0027%; no homozygotes.

Submissions (2):

Ambry Genetics
Classification: Uncertain significance for Inborn genetic diseases. Last evaluated: 2025-03-05. Review status: criteria provided, single submitter. Criteria: Ambry Variant Classification Scheme 2023. Collection method: clinical testing. Allele origin: germline.

Labcorp Genetics (formerly Invitae), Labcorp
Classification: Uncertain significance. Last evaluated: 2022-08-20. Review status: criteria provided, single submitter. Criteria: Invitae Variant Classification Sherloc (09022015). Collection method: clinical testing. Allele origin: germline.
Comment: Algorithms developed to predict the effect of missense changes on protein structure and function are either unavailable or do not agree on the potential impact of this missense change (SIFT: "Deleterious"; PolyPhen-2: "Probably Damaging"; Align-GVGD: "Class C15"). In summary, the available evidence is currently insufficient to determine the role of this variant in disease. Therefore, it has been classified as a Variant of Uncertain Significance. This variant has not been reported in the literature in individuals affected with CDK5RAP2-related conditions. This sequence change replaces glycine, which is neutral and non-polar, with arginine, which is basic and polar, at codon 1427 of the CDK5RAP2 protein (p.Gly1427Arg). This variant is present in population databases (rs778219484, gnomAD 0.01%).

NM_018249.6(CDK5RAP2):c.4279G>A (p.Gly1427Arg)

Gene: CDK5RAP2 (CDK5 regulatory subunit associated protein 2; minus strand). Cytogenetic location: 9q33.2.
Variant type: single nucleotide variant.
Coding change: c.4279G>A on transcript NM_018249.6 (MANE Select); coding-DNA position 4279, G replaced by A.
Protein change: p.Gly1427Arg; replaces glycine 1427 with arginine.
Molecular consequence: missense variant. On other transcripts: non-coding transcript variant (5).
Genome position (GRCh38, 1-based): chr9:120,415,058, C>T on the plus strand (G>A on the coding strand, the complement: CDK5RAP2 is on the minus strand). VCF-style: chr9-120415058-C-T. GRCh37 (hg19) VCF-style: chr9-123177336-C-T.
Other names: c.4279G>A, p.Gly1427Arg (NM_001011649.3); c.3589G>A, p.Gly1197Arg (NM_001272039.2); c.4180G>A, p.Gly1394Arg (NM_001410992.1); c.4183G>A, p.Gly1395Arg (NM_001410993.1); c.4276G>A, p.Gly1426Arg (NM_001410994.1); c.4279G>A (NM_018249.4); short protein forms G1197R, G1395R, G1427R, G1394R, G1426R.
Identifiers: ClinVar variation 1924651 (VCV001924651.6), dbSNP rs778219484, ClinGen allele CA5213612.
Genomic context (GRCh38, chr9:120,415,058, plus strand): 5'-ACTCACAGACATGTACAGTCCTCCAGGAAGGTCTTTCCTTACCTTGAACAAATTCAGATC[C>T]TTGCCGTTCCAACTGTTTCCGTAGCTTCTCATTTGTTTTAATAGATTCTTCTAAACGCTT-3'
Protein context (NP_060719.4, residues 1417-1437): EKLRKQLERQ[Gly1427Arg]SEFVQGSTSI